The following is an entry in ClinVar:

NM_006282.5(STK4):c.1306-1G>C

Gene: STK4 (serine/threonine kinase 4; plus strand). Cytogenetic location: 20q13.12.
Variant type: single nucleotide variant.
Coding change: c.1306-1G>C on transcript NM_006282.5 (MANE Select); the canonical splice acceptor site of the intron before coding-DNA position 1306, G replaced by C.
Molecular consequence: splice acceptor variant.
Genome position (GRCh38, 1-based): chr20:45,075,017, G>C. VCF-style: chr20-45075017-G-C. GRCh37 (hg19) VCF-style: chr20-43703658-G-C.
Other names: c.*12-1G>C (NM_001352385.2).
Identifiers: ClinVar variation 4847606 (VCV004847606.1).

ClinVar aggregate classification (germline): Uncertain significance (1 of 4 stars; one submission).

Submission:

Women's Health and Genetics/Laboratory Corporation of America, LabCorp
Classification: Uncertain significance. Last evaluated: 2026-03-30. Review status: criteria provided, single submitter. Criteria: LabCorp Variant Classification Summary - May 2015. Collection method: clinical testing. Allele origin: germline.
Comment: Variant summary: STK4 c.1306-1G>C is located in a canonical splice-site in the last intron and is predicted to affect mRNA splicing resulting in a significantly altered protein due to either exon skipping, shortening, or inclusion of intronic material. Variants that disrupt the consensus splice site are a relatively common cause of aberrant splicing and loss of STK4 function. Several computational tools predict a significant impact on normal splicing: Four predict the variant abolishes the canonical 3' acceptor site and creates a new 3' acceptor site. However, these predictions have yet to be confirmed by functional studies. The variant was absent in 251094 control chromosomes. The available data on variant occurrences in the general population are insufficient to allow any conclusion about variant significance. To our knowledge, no occurrence of c.1306-1G>C in individuals affected with STK4-related conditions and no experimental evidence demonstrating its impact on protein function have been reported. No submitters have cited clinical-significance assessments for this variant to ClinVar. Based on the evidence outlined above, the variant was classified as uncertain significance.